The following is an entry in ClinVar:

ClinVar aggregate classification (germline): Uncertain significance (1 of 4 stars; one submission).

Conditions:
Inborn genetic diseases. Identifiers: MedGen C0950123, MeSH D030342.

Submission:

Ambry Genetics
Classification: Uncertain significance for Inborn genetic diseases. Last evaluated: 2025-08-28. Review status: criteria provided, single submitter. Criteria: Ambry Variant Classification Scheme 2023. Collection method: clinical testing. Allele origin: germline.
Comment: The p.D496Y variant (also known as c.1486G>T), located in coding exon 11 of the MIB1 gene, results from a G to T substitution at nucleotide position 1486. The aspartic acid at codon 496 is replaced by tyrosine, an amino acid with highly dissimilar properties. This amino acid position is conserved. In addition, this alteration is predicted to be deleterious by in silico analysis. Based on the available evidence, the clinical significance of this variant remains unclear.

NM_020774.4(MIB1):c.1486G>T (p.Asp496Tyr)

Gene: MIB1 (MIB E3 ubiquitin protein ligase 1; plus strand). Cytogenetic location: 18q11.2.
Variant type: single nucleotide variant.
Coding change: c.1486G>T on transcript NM_020774.4 (MANE Select); coding-DNA position 1486, G replaced by T.
Protein change: p.Asp496Tyr; replaces aspartic acid 496 with tyrosine.
Molecular consequence: missense variant.
Genome position (GRCh38, 1-based): chr18:21,815,622, G>T. VCF-style: chr18-21815622-G-T. GRCh37 (hg19) VCF-style: chr18-19395583-G-T.
Other names: short protein forms D496Y.
Identifiers: ClinVar variation 4107603 (VCV004107603.1).
Genomic context (GRCh38, chr18:21,815,622, plus strand): 5'-GGTTTTTTTCTTTCTAAAATATTCACTAATTCACATTTCAATACTAATGATTAGGATAAA[G>T]ATGGTGATAGAGCAGTTCACCATGCAGCTTTTGGAGATGAAGGCGCTGTTATAGAAGTAC-3'
Protein context (NP_065825.1, residues 486-506): QNVDVEAEDK[Asp496Tyr]GDRAVHHAAF